The following is an entry in ClinVar:

ClinVar aggregate classification (germline): Uncertain significance. Review status: criteria provided, multiple submitters, no conflicts (2 of 4 stars). 2 submissions from 2 submitters: Uncertain significance (2). Last evaluated 2022-06-01.

Conditions:
Tuberous sclerosis 1 (TSC1). Identifiers: Orphanet 805, MedGen C1854465, MONDO:0008612, OMIM 191100.
Hereditary cancer-predisposing syndrome. Also called: Neoplastic Syndromes, Hereditary; Hereditary Cancer Syndrome; Tumor predisposition; Hereditary neoplastic syndrome. Identifiers: Orphanet 140162, MedGen C0027672, MeSH D009386, MONDO:0015356.

Submissions (2):

Ambry Genetics
Classification: Uncertain significance for Hereditary cancer-predisposing syndrome. Last evaluated: 2022-06-01. Review status: criteria provided, single submitter. Criteria: Ambry Variant Classification Scheme 2023. Collection method: clinical testing. Allele origin: germline.
Comment: The p.S1042G variant (also known as c.3124A>G), located in coding exon 21 of the TSC1 gene, results from an A to G substitution at nucleotide position 3124. The serine at codon 1042 is replaced by glycine, an amino acid with similar properties. This amino acid position is conserved. In addition, this alteration is predicted to be tolerated by in silico analysis. Since supporting evidence is limited at this time, the clinical significance of this alteration remains unclear.

Labcorp Genetics (formerly Invitae), Labcorp
Classification: Uncertain significance for Tuberous sclerosis 1. Last evaluated: 2020-07-08. Review status: criteria provided, single submitter. Criteria: Invitae Variant Classification Sherloc (09022015). Collection method: clinical testing. Allele origin: germline.
Comment: This variant is not present in population databases (ExAC no frequency). This sequence change replaces serine with glycine at codon 1042 of the TSC1 protein (p.Ser1042Gly). The serine residue is moderately conserved and there is a small physicochemical difference between serine and glycine. This variant has not been reported in the literature in individuals with TSC1-related conditions. Algorithms developed to predict the effect of missense changes on protein structure and function output the following: SIFT: "Tolerated"; PolyPhen-2: "Probably Damaging"; Align-GVGD: "Class C0". The glycine amino acid residue is found in multiple mammalian species, suggesting that this missense change does not adversely affect protein function. These predictions have not been confirmed by published functional studies and their clinical significance is uncertain. In summary, the available evidence is currently insufficient to determine the role of this variant in disease. Therefore, it has been classified as a Variant of Uncertain Significance.

NM_000368.5(TSC1):c.3124A>G (p.Ser1042Gly)

Gene: TSC1 (TSC complex subunit 1; minus strand). Cytogenetic location: 9q34.13.
Variant type: single nucleotide variant.
Coding change: c.3124A>G on transcript NM_000368.5 (MANE Select); coding-DNA position 3124, A replaced by G.
Protein change: p.Ser1042Gly; replaces serine 1042 with glycine.
Molecular consequence: missense variant.
Genome position (GRCh38, 1-based): chr9:132,896,606, T>C on the plus strand (A>G on the coding strand, the complement: TSC1 is on the minus strand). VCF-style: chr9-132896606-T-C. GRCh37 (hg19) VCF-style: chr9-135771993-T-C.
Other names: c.3121A>G, p.Ser1041Gly (NM_001162426.2); c.2971A>G, p.Ser991Gly (NM_001162427.2); c.2761A>G, p.Ser921Gly (NM_001362177.2); short protein forms S991G, S1042G, S1041G, S921G.
Identifiers: ClinVar variation 1035612 (VCV001035612.11), dbSNP rs1845075552, ClinGen allele CA375367324.